The following is an entry in ClinVar:

ClinVar aggregate classification (germline): Uncertain significance (1 of 4 stars; one submission).

Conditions:
Zellweger spectrum disorders (ZS). Also called: Zellweger syndrome; Zellweger Spectrum Disorder (ZSD); Zellweger Spectrum Disorder; Zellweger Spectrum. Identifiers: Orphanet 912, MedGen C0043459, MONDO:0019609.

Allele frequency attached by ClinVar (database versions not stated): gnomAD exomes below 0.00001.
gnomAD v4.1: 3 of 1,541,986 alleles (0.00019%); highest among the groups gnomAD compares: African/African-American, 0.0014%; no homozygotes.

Submission:

Labcorp Genetics (formerly Invitae), Labcorp
Classification: Uncertain significance for Zellweger spectrum disorders. Last evaluated: 2022-06-13. Review status: criteria provided, single submitter. Criteria: Invitae Variant Classification Sherloc (09022015). Collection method: clinical testing. Allele origin: germline.
Comment: This variant has not been reported in the literature in individuals affected with PEX1-related conditions. In summary, the available evidence is currently insufficient to determine the role of this variant in disease. Therefore, it has been classified as a Variant of Uncertain Significance. Algorithms developed to predict the effect of missense changes on protein structure and function (SIFT, PolyPhen-2, Align-GVGD) all suggest that this variant is likely to be tolerated. This variant is not present in population databases (gnomAD no frequency). This sequence change replaces leucine, which is neutral and non-polar, with valine, which is neutral and non-polar, at codon 218 of the PEX1 protein (p.Leu218Val).

NM_000466.3(PEX1):c.652C>G (p.Leu218Val)

Gene: PEX1 (peroxisomal biogenesis factor 1; minus strand). Cytogenetic location: 7q21.2.
Variant type: single nucleotide variant.
Coding change: c.652C>G on transcript NM_000466.3 (MANE Select); coding-DNA position 652, C replaced by G.
Protein change: p.Leu218Val; replaces leucine 218 with valine.
Molecular consequence: missense variant.
Genome position (GRCh38, 1-based): chr7:92,517,863, G>C on the plus strand (C>G on the coding strand, the complement: PEX1 is on the minus strand). VCF-style: chr7-92517863-G-C. GRCh37 (hg19) VCF-style: chr7-92147177-G-C.
Other names: c.652C>G, p.Leu218Val (NM_001282677.2); c.28C>G, p.Leu10Val (NM_001282678.2); short protein forms L218V, L10V.
Identifiers: ClinVar variation 1494451 (VCV001494451.8), dbSNP rs1226753246, ClinGen allele CA368200677.
Genomic context (GRCh38, chr7:92,517,863, plus strand): 5'-CAACTGGAATCTCTGACTCGTTTTCATTAGATTCAGTGATTCCCACAGTATTTGACTGAA[G>C]TTGCTTGGTTTGAAGTTCTTTCATCATTCCTTTCTGGTCTCTTCCATAACTATGAAGTTT-3'
Protein context (NP_000457.1, residues 208-228): GMMKELQTKQ[Leu218Val]QSNTVGITES